The following is an entry in ClinVar:

ClinVar aggregate classification (germline): Uncertain significance (1 of 4 stars; one submission).

Conditions:
Cardiovascular phenotype. Identifiers: MedGen CN230736.

Submission:

Ambry Genetics
Classification: Uncertain significance for Cardiovascular phenotype. Last evaluated: 2026-06-04. Review status: criteria provided, single submitter. Criteria: Ambry Variant Classification Scheme 2023. Collection method: clinical testing. Allele origin: germline.
Comment: The p.E121G variant (also known as c.362A>G), located in coding exon 3 of the SPRED1 gene, results from an A to G substitution at nucleotide position 362. The glutamic acid at codon 121 is replaced by glycine, an amino acid with similar properties. This amino acid position is conserved. In addition, this alteration is predicted to be deleterious by in silico analysis. Based on the available evidence, the clinical significance of this variant remains unclear.

NM_152594.3(SPRED1):c.362A>G (p.Glu121Gly)

Gene: SPRED1 (sprouty related EVH1 domain containing 1; plus strand). Cytogenetic location: 15q14.
Variant type: single nucleotide variant.
Coding change: c.362A>G on transcript NM_152594.3 (MANE Select); coding-DNA position 362, A replaced by G.
Protein change: p.Glu121Gly; replaces glutamic acid 121 with glycine.
Molecular consequence: missense variant.
Genome position (GRCh38, 1-based): chr15:38,322,395, A>G. VCF-style: chr15-38322395-A-G. GRCh37 (hg19) VCF-style: chr15-38614596-A-G.
Other names: short protein forms E121G.
Identifiers: ClinVar variation 4865047 (VCV004865047.1).